The following is an entry in ClinVar:

ClinVar aggregate classification (germline): Uncertain significance. Review status: criteria provided, multiple submitters, no conflicts (2 of 4 stars). 2 submissions from 2 submitters: Uncertain significance (2). Last evaluated 2024-05-14.

gnomAD v4.1: 14 of 1,613,664 alleles (0.00087%); highest among the groups gnomAD compares: South Asian, 0.0022%; 1 homozygote.

Submissions (2):

GeneDx
Classification: Uncertain significance. Last evaluated: 2024-05-14. Review status: criteria provided, single submitter. Criteria: GeneDx Variant Classification Process June 2021. Collection method: clinical testing. Allele origin: germline. Affected: yes.
Comment: Not observed at significant frequency in large population cohorts (gnomAD); Missense variant in a gene in which most reported pathogenic variants are truncating/loss of function; Has not been previously published as pathogenic or benign to our knowledge

Revvity Omics, Revvity
Classification: Uncertain significance. Last evaluated: 2023-08-16. Review status: criteria provided, single submitter. Criteria: ACMG Guidelines, 2015. Collection method: clinical testing. Allele origin: germline.

NM_001267550.2(TTN):c.88265C>T (p.Pro29422Leu)

Genes: TTN (titin; minus strand), TTN-AS1 (TTN antisense RNA 1; plus strand). Cytogenetic location: 2q31.2.
Variant type: single nucleotide variant.
Coding change: c.88265C>T on transcript NM_001267550.2 (MANE Select); coding-DNA position 88265, C replaced by T.
Protein change: p.Pro29422Leu; replaces proline 29422 with leucine.
Molecular consequence: missense variant.
Genome position (GRCh38, 1-based): chr2:178,556,889, G>A on the plus strand (C>T on the coding strand, the complement: TTN is on the minus strand). VCF-style: chr2-178556889-G-A. GRCh37 (hg19) VCF-style: chr2-179421616-G-A.
Other names: c.83342C>T, p.Pro27781Leu (NM_001256850.1); c.61070C>T, p.Pro20357Leu (NM_003319.4); c.80561C>T, p.Pro26854Leu (NM_133378.4); c.61445C>T, p.Pro20482Leu (NM_133432.3); c.61646C>T, p.Pro20549Leu (NM_133437.4); short protein forms P20357L, P20482L, P20549L, P26854L, P27781L, P29422L.
Identifiers: ClinVar variation 3378003 (VCV003378003.2).